The following is an entry in ClinVar:

ClinVar aggregate classification (germline): Likely pathogenic. Review status: criteria provided, multiple submitters, no conflicts (2 of 4 stars). 2 submissions from 2 submitters: Likely pathogenic (2). Last evaluated 2023-08-25.

Conditions:
Hereditary cancer-predisposing syndrome. Also called: Neoplastic Syndromes, Hereditary; Tumor predisposition; Hereditary Cancer Syndrome; Hereditary neoplastic syndrome. Identifiers: Orphanet 140162, MedGen C0027672, MeSH D009386, MONDO:0015356.
Lynch syndrome 5 (LYNCH5). Also called: Colorectal cancer, hereditary nonpolyposis, type 5; Hereditary non-polyposis colorectal cancer, type 5. Identifiers: Orphanet 144, MedGen C1833477, MONDO:0013710, OMIM 614350. Disease mechanism: loss of function.

Submissions (2):

Myriad Genetics, Inc.
Classification: Likely pathogenic for Lynch syndrome 5. Last evaluated: 2023-08-25. Review status: criteria provided, single submitter. Criteria: Myriad Autosomal Dominant, Autosomal Recessive and X-Linked Classification Criteria (2023). Collection method: clinical testing. Allele origin: unknown.
Comment: This variant is considered likely pathogenic. This variant occurs within a consensus splice junction and is predicted to result in abnormal mRNA splicing of either an out-of-frame exon or an in-frame exon necessary for protein stability and/or normal function.

Ambry Genetics
Classification: Likely pathogenic for Hereditary cancer-predisposing syndrome. Last evaluated: 2021-08-18. Review status: criteria provided, single submitter. Criteria: Ambry Variant Classification Scheme 2023. Collection method: clinical testing. Allele origin: germline.
Comment: The c.3801+1G>A intronic variant results from a G to A substitution one nucleotide after coding exon 8 of the MSH6 gene. This nucleotide position is highly conserved in available vertebrate species. This variant is considered to be rare based on population cohorts in the Genome Aggregation Database (gnomAD). In silico splice site analysis predicts that this alteration will weaken the native splice donor site. Alterations that disrupt the canonical splice site are expected to cause aberrant splicing, resulting in an abnormal protein or a transcript that is subject to nonsense-mediated mRNA decay. As such, this alteration is classified as likely pathogenic.

NM_000179.3(MSH6):c.3801+1G>A

Gene: MSH6 (mutS homolog 6; plus strand). Cytogenetic location: 2p16.3.
Variant type: single nucleotide variant.
Coding change: c.3801+1G>A on transcript NM_000179.3 (MANE Select); the canonical splice donor site of the intron after coding-DNA position 3801, G replaced by A.
Molecular consequence: splice donor variant.
Genome position (GRCh38, 1-based): chr2:47,806,359, G>A. VCF-style: chr2-47806359-G-A. GRCh37 (hg19) VCF-style: chr2-48033498-G-A.
Other names: c.3801+1G>A (NM_001406809.1, NM_001406796.1, NM_001406808.1 and 1 more transcripts); c.2895+1G>A (NM_001406811.1, NM_001281493.2, NM_001406812.1 and 6 more transcripts); c.3504+1G>A (NM_001406805.1, NM_001406797.1, NM_001406801.1 and 10 more transcripts); c.3276+1G>A (NM_001406799.1, NM_001406806.1, NM_001406807.1); c.3723+1G>A (NM_001406804.1); c.3411+1G>A (NM_001281492.2); c.3633+1G>A (NM_001406826.1); c.648+1G>A (NM_001406832.1); and 7 more.
Identifiers: ClinVar variation 1735069 (VCV001735069.3), dbSNP rs876660943, ClinGen allele CA346761201.